The following is an entry in ClinVar:

NM_001079855.2(GYG2):c.1002G>A (p.Glu334=)

Gene: GYG2 (glycogenin 2; plus strand). Cytogenetic location: Xp22.33.
Variant type: single nucleotide variant.
Coding change: c.1002G>A on transcript NM_001079855.2 (MANE Select); coding-DNA position 1002, G replaced by A.
Protein change: p.Glu334=; no amino-acid change (glutamic acid 334 retained).
Molecular consequence: synonymous variant.
Genome position (GRCh38, 1-based): chrX:2,861,686, G>A. VCF-style: chrX-2861686-G-A. GRCh37 (hg19) VCF-style: chrX-2779727-G-A.
Other names: c.1002G>A, p.Glu334= (NM_001184702.2); c.1095G>A, p.Glu365= (NM_001184703.2, NM_003918.3); c.537G>A, p.Glu179= (NM_001184704.2); c.1095G>A (NM_003918.2).
Identifiers: ClinVar variation 810491 (VCV000810491.43), dbSNP rs749214104, ClinGen allele CA10337225.

ClinVar aggregate classification (germline): Likely benign. Review status: criteria provided, single submitter (1 of 4 stars). 2 submissions from 2 submitters: Likely benign (1). 1 of the submissions does not count toward it. Last evaluated 2022-12-01.

Conditions:
GYG2-related disorder. Also called: GYG2-related condition.

Allele frequency attached by ClinVar (database versions not stated): gnomAD exomes 0.00001; TOPMed 0.00001; ExAC 0.00004; gnomAD 0.00005.
gnomAD v4.1: 8 of 1,200,612 alleles (0.00067%); highest among the groups gnomAD compares: Middle Eastern, 0.046%; no homozygotes.

Submissions (2):

CeGaT Center for Human Genetics Tuebingen
Classification: Likely benign. Last evaluated: 2022-12-01. Review status: criteria provided, single submitter. Criteria: CeGaT Center For Human Genetics Tuebingen Variant Classification Criteria Version 2. Collection method: clinical testing. Allele origin: germline. Affected: yes. Observed: 2 variant alleles.
Comment: GYG2: BP4, BP7

PreventionGenetics, part of Exact Sciences
Classification: Likely benign for GYG2-related condition. Last evaluated: 2019-03-14. Review status: no assertion criteria provided. Collection method: clinical testing. Allele origin: germline. Not counted in ClinVar's aggregate classification.
Comment: This variant is classified as likely benign based on ACMG/AMP sequence variant interpretation guidelines (Richards et al. 2015 PMID: 25741868, with internal and published modifications).